The following is an entry in ClinVar:

NC_000001.10:g.(?_66101854)_(66102698_?)del

Gene: LEPR (leptin receptor; plus strand). Cytogenetic location: 1p31.3.
Variant type: Deletion.
Identifiers: ClinVar variation 3247939 (VCV003247939.1).

ClinVar aggregate classification (germline): Pathogenic (1 of 4 stars; one submission).

Submission:

Labcorp Genetics (formerly Invitae), Labcorp
Classification: Pathogenic. Last evaluated: 2023-06-15. Review status: criteria provided, single submitter. Criteria: Invitae Variant Classification Sherloc (09022015). Collection method: clinical testing. Allele origin: unknown.
Comment: This variant is a gross deletion of the genomic region encompassing exon(s) 20 of the LEPR gene, which includes the termination codon. This deletion extends beyond the assayed region for this gene and therefore may encompass additional genes. While this deletion is not anticipated to lead to nonsense mediated decay, it is expected to alter mRNA translation or result in a truncated protein product. For these reasons, this variant has been classified as Pathogenic. This variant disrupts a region of the LEPR protein in which other variant(s) (p.Ser1090Argfs*6) have been determined to be pathogenic (PMID: 30442103). This suggests that this is a clinically significant region of the protein, and that variants that disrupt it are likely to be disease-causing. This variant has not been reported in the literature in individuals affected with LEPR-related conditions.

Literature cited by the submitters: PubMed 30442103.